The following is an entry in ClinVar:

NM_018684.4(ZC4H2):c.83del (p.Lys28fs)

Gene: ZC4H2 (zinc finger C4H2-type containing; minus strand). Cytogenetic location: Xq11.2.
Variant type: Deletion.
Coding change: c.83del on transcript NM_018684.4 (MANE Select); coding-DNA position 83, one base deleted (A; older notation c.83delA).
Protein change: p.Lys28fs; shifts the reading frame from lysine 28.
Molecular consequence: frameshift variant. On other transcripts: non-coding transcript variant (1).
Genome position (GRCh38, 1-based): chrX:64,921,959, T deleted on the plus strand (A on the coding strand, the reverse complement: ZC4H2 is on the minus strand); the first of 2 consecutive T bases (chrX:64,921,959-64,921,960); deleting either gives the same sequence. VCF-style (leftmost placement, unchanged base first): chrX-64921958-CT-C. GRCh37 (hg19) VCF-style: chrX-64141838-CT-C.
Other names: c.14del, p.Lys5fs (NM_001178032.3, NM_001243804.2); c.83del, p.Lys28fs (NM_001178033.3); short protein forms K28fs, K5fs.
Identifiers: ClinVar variation 4280635 (VCV004280635.1).

ClinVar aggregate classification (germline): Likely pathogenic (1 of 4 stars; one submission).

Conditions:
Wieacker-Wolff syndrome. Also called: Intellectual disability-developmental delay-contractures syndrome; APRAXIA, OCULOMOTOR, WITH CONGENITAL CONTRACTURES AND MUSCLE ATROPHY; CONTRACTURES OF FEET, MUSCLE ATROPHY, AND OCULOMOTOR APRAXIA; MENTAL RETARDATION, X-LINKED, SYNDROMIC 4; MENTAL RETARDATION, X-LINKED, WITH CONGENITAL CONTRACTURES AND LOW FINGERTIP ARCHES; Miles-Carpenter syndrome. Identifiers: Orphanet 3454, Orphanet 85283, MedGen C0796200, MONDO:0010758, OMIM 314580.

Submission:

Clinical Biomedical Laboratory, Shriners Hospital For Children - Canada
Classification: Likely pathogenic for Wieacker-Wolff syndrome. Last evaluated: 2025-10-05. Review status: criteria provided, single submitter. Criteria: ACMG Guidelines, 2015. Collection method: clinical testing. Allele origin: germline. Affected: yes.
Comment: This variant is predicted to introduce a premature stop codon in exon 2. This is expected to lead to degradation of the affected transcript and loss of function. Loss of function variants in ZC4H2 are an established cause of Wieacker-Wolff syndrome, female restricted. This variant is absent from the Genome Aggregation Database (v2.1.1).